The following is an entry in ClinVar:

ClinVar aggregate classification (germline): Uncertain significance (1 of 4 stars; one submission).

Allele frequency attached by ClinVar (database versions not stated): TOPMed below 0.00001; gnomAD exomes 0.00001.
gnomAD v4.1: 9 of 1,610,838 alleles (0.00056%); highest among the groups gnomAD compares: Non-Finnish European, 0.00076%; no homozygotes.

Submission:

Ambry Genetics
Classification: Uncertain significance. Last evaluated: 2024-01-01. Review status: criteria provided, single submitter. Criteria: Ambry Variant Classification Scheme 2023. Collection method: clinical testing. Allele origin: germline.
Comment: The p.L1862V variant (also known as c.5584T>G), located in coding exon 16 of the POLQ gene, results from a T to G substitution at nucleotide position 5584. The leucine at codon 1862 is replaced by valine, an amino acid with highly similar properties. This amino acid position is conserved. In addition, this alteration is predicted to be tolerated by in silico analysis. Since supporting evidence is limited at this time, the clinical significance of this alteration remains unclear.

NM_199420.4(POLQ):c.5584T>G (p.Leu1862Val)

Gene: POLQ (DNA polymerase theta; minus strand). Cytogenetic location: 3q13.33.
Variant type: single nucleotide variant.
Coding change: c.5584T>G on transcript NM_199420.4 (MANE Select); coding-DNA position 5584, T replaced by G.
Protein change: p.Leu1862Val; replaces leucine 1862 with valine.
Molecular consequence: missense variant.
Genome position (GRCh38, 1-based): chr3:121,487,347, A>C on the plus strand (T>G on the coding strand, the complement: POLQ is on the minus strand). VCF-style: chr3-121487347-A-C. GRCh37 (hg19) VCF-style: chr3-121206194-A-C.
Other names: short protein forms L1862V.
Identifiers: ClinVar variation 1748440 (VCV001748440.2), dbSNP rs915477975, ClinGen allele CA81832935.
Genomic context (GRCh38, chr3:121,487,347, plus strand): 5'-TAAAAAAATTCTTACCTTGCTTAAACCTACTGCCAATAGTAGCAGTTTTAGAAGATGTCA[A>C]ACTTCTAATCTTTTCACAAGCCAGTGAGATGGAAAATCGCTTTTTGCACCGCCACTCCTT-3'
Protein context (NP_955452.3, residues 1852-1872): ISLACEKIRS[Leu1862Val]TSSKTATIGS